The following is an entry in ClinVar:

ClinVar aggregate classification (germline): Uncertain significance (1 of 4 stars; one submission).

Conditions:
Hypertrophic cardiomyopathy 2. Also called: TNNT2-Related Familial Hypertrophic Cardiomyopathy. Identifiers: MedGen C1861864, MONDO:0007266, OMIM 115195.
Cardiomyopathy, familial restrictive, 3. Identifiers: Orphanet 75249, MedGen C2676271, MONDO:0012900, OMIM 612422.
Dilated cardiomyopathy 1D. Identifiers: Orphanet 154, Orphanet 54260, MedGen C1832243, MONDO:0011095, OMIM 601494.

Submission:

Labcorp Genetics (formerly Invitae), Labcorp
Classification: Uncertain significance for Cardiomyopathy, familial restrictive, 3; Hypertrophic cardiomyopathy 2; Dilated cardiomyopathy 1D. Last evaluated: 2025-10-21. Review status: criteria provided, single submitter. Criteria: Invitae Variant Classification Sherloc (09022015). Collection method: clinical testing. Allele origin: germline.
Comment: This sequence change creates a premature translational stop signal (p.Glu22*) in the TNNT2 gene. It is expected to result in an absent or disrupted protein product. However, the current clinical and genetic evidence is not sufficient to establish whether loss-of-function variants in TNNT2 cause disease. This variant is not present in population databases (gnomAD no frequency). This variant has not been reported in the literature in individuals affected with TNNT2-related conditions. ClinVar contains an entry for this variant (Variation ID: 2088461). In summary, the available evidence is currently insufficient to determine the role of this variant in disease. Therefore, it has been classified as a Variant of Uncertain Significance.

NM_001276345.2(TNNT2):c.63dup (p.Glu22Ter)

Gene: TNNT2 (troponin T2, cardiac type; minus strand). Cytogenetic location: 1q32.1.
Variant type: Duplication.
Coding change: c.63dup on transcript NM_001276345.2 (MANE Select); coding-DNA position 63, one base duplicated (T; older notation c.63dupT).
Protein change: p.Glu22Ter; replaces glutamic acid 22 with a stop codon.
Molecular consequence: nonsense. On other transcripts: frameshift variant (5), intron variant (1).
Genome position (GRCh38, 1-based): chr1:201,372,031, A duplicated on the plus strand (T on the coding strand, the reverse complement: TNNT2 is on the minus strand); the first of 2 consecutive A bases (chr1:201,372,031-201,372,032); duplicating either gives the same sequence. VCF-style (leftmost placement, unchanged base first): chr1-201372030-C-CA. GRCh37 (hg19) VCF-style: chr1-201341158-C-CA.
Other names: c.63dup, p.Glu22Ter (NM_000364.4, NM_001001430.3, NM_001001431.3 and 2 more transcripts); c.62dup, p.Glu22Terfs (NM_001406723.1, NM_001406724.1, NM_001406725.1 and 2 more transcripts); c.52+114dup (NM_001001432.3); short protein forms E22*.
Identifiers: ClinVar variation 2088461 (VCV002088461.4), dbSNP rs2527137237, ClinGen allele CA2580061880.